The following is an entry in ClinVar:

NM_001151.4(SLC25A4):c.316_324dup (p.Gln108_Phe109insHisLysGln)

Gene: SLC25A4 (solute carrier family 25 member 4; plus strand). Cytogenetic location: 4q35.1.
Variant type: Duplication.
Coding change: c.316_324dup on transcript NM_001151.4 (MANE Select); coding-DNA positions 316 to 324, 9 bases duplicated (CATAAGCAG; older notation c.316_324dupCATAAGCAG).
Protein change: p.Gln108_Phe109insHisLysGln.
Molecular consequence: inframe insertion.
Genome position (GRCh38, 1-based): chr4:185,144,968-185,144,976, CATAAGCAG duplicated; duplicating any 9 consecutive bases within chr4:185,144,967-185,144,976 gives the same sequence; the c. name uses the placement nearest the transcript's 3' end. VCF-style (leftmost placement, unchanged base first): chr4-185144966-G-GGCATAAGCA. GRCh37 (hg19) VCF-style: chr4-186066120-G-GGCATAAGCA.
Identifiers: ClinVar variation 2022865 (VCV002022865.4), dbSNP rs2477168927, ClinGen allele CA2580071730.

ClinVar aggregate classification (germline): Uncertain significance (1 of 4 stars; one submission).

Submission:

Labcorp Genetics (formerly Invitae), Labcorp
Classification: Uncertain significance. Last evaluated: 2022-08-08. Review status: criteria provided, single submitter. Criteria: Invitae Variant Classification Sherloc (09022015). Collection method: clinical testing. Allele origin: germline.
Comment: In summary, the available evidence is currently insufficient to determine the role of this variant in disease. Therefore, it has been classified as a Variant of Uncertain Significance. This variant has not been reported in the literature in individuals affected with SLC25A4-related conditions. This variant is not present in population databases (gnomAD no frequency). This variant, c.316_324dup, results in the insertion of 3 amino acid(s) of the SLC25A4 protein (p.His106_Gln108dup), but otherwise preserves the integrity of the reading frame.